The following is an entry in ClinVar:

NM_001244926.2(PRPF4):c.238G>A (p.Glu80Lys)

Gene: PRPF4 (pre-mRNA splicing tri-snRNP complex factor PRPF4; plus strand). Cytogenetic location: 9q32.
Variant type: single nucleotide variant.
Coding change: c.238G>A on transcript NM_001244926.2 (MANE Select); coding-DNA position 238, G replaced by A.
Protein change: p.Glu80Lys; replaces glutamic acid 80 with lysine.
Molecular consequence: missense variant. On other transcripts: 5 prime UTR variant (2), non-coding transcript variant (2).
Genome position (GRCh38, 1-based): chr9:113,278,977, G>A. VCF-style: chr9-113278977-G-A. GRCh37 (hg19) VCF-style: chr9-116041257-G-A.
Other names: c.-528G>A (NM_001322266.2, NM_001322267.2); c.241G>A, p.Glu81Lys (NM_004697.5); short protein forms E80K, E81K.
Identifiers: ClinVar variation 1965319 (VCV001965319.5), dbSNP rs772238193, ClinGen allele CA5194817.
Genomic context (GRCh38, chr9:113,278,977, plus strand): 5'-CTGATGTTGCCTGTTTTCTTTTTAATAGGAGAAGTGTTTGAAATTGAAGAGCATATCAGC[G>A]AGCGACAGGCAGAAGTATTGGCTGAGTTTGAGAGAAGGAAGCGAGCCCGGCAGATCAATG-3'
Protein context (NP_001231855.1, residues 70-90): EVFEIEEHIS[Glu80Lys]RQAEVLAEFE

ClinVar aggregate classification (germline): Uncertain significance (1 of 4 stars; one submission).

Allele frequency attached by ClinVar (database versions not stated): ExAC 0.00001.

Submission:

Labcorp Genetics (formerly Invitae), Labcorp
Classification: Uncertain significance. Last evaluated: 2024-10-16. Review status: criteria provided, single submitter. Criteria: Invitae Variant Classification Sherloc (09022015). Collection method: clinical testing. Allele origin: germline.
Comment: This sequence change replaces glutamic acid, which is acidic and polar, with lysine, which is basic and polar, at codon 81 of the PRPF4 protein (p.Glu81Lys). This variant is present in population databases (rs772238193, gnomAD 0.003%). This variant has not been reported in the literature in individuals affected with PRPF4-related conditions. ClinVar contains an entry for this variant (Variation ID: 1965319). An algorithm developed to predict the effect of missense changes on protein structure and function (PolyPhen-2) suggests that this variant is likely to be tolerated. In summary, the available evidence is currently insufficient to determine the role of this variant in disease. Therefore, it has been classified as a Variant of Uncertain Significance.